The following is an entry in ClinVar:

ClinVar aggregate classification (germline): Uncertain significance (1 of 4 stars; one submission).

Conditions:
Hyper-IgM syndrome type 1. Also called: Hyper-IgM Immunodeficiency Syndrome, Type 1; CD40 Ligand Deficiency; X-linked hyper-IgM syndrome; Immunodeficiency, X-linked, with hyper-IgM. Identifiers: Orphanet 101088, MedGen C0398689, MONDO:0010626, OMIM 308230.

Submission:

Labcorp Genetics (formerly Invitae), Labcorp
Classification: Uncertain significance for Hyper-IgM syndrome type 1. Last evaluated: 2023-06-26. Review status: criteria provided, single submitter. Criteria: Invitae Variant Classification Sherloc (09022015). Collection method: clinical testing. Allele origin: germline.
Comment: This sequence change replaces asparagine, which is neutral and polar, with threonine, which is neutral and polar, at codon 157 of the CD40LG protein (p.Asn157Thr). This variant is not present in population databases (gnomAD no frequency). This variant has not been reported in the literature in individuals affected with CD40LG-related conditions. Advanced modeling of protein sequence and biophysical properties (such as structural, functional, and spatial information, amino acid conservation, physicochemical variation, residue mobility, and thermodynamic stability) performed at Invitae indicates that this missense variant is not expected to disrupt CD40LG protein function. In summary, the available evidence is currently insufficient to determine the role of this variant in disease. Therefore, it has been classified as a Variant of Uncertain Significance.

NM_000074.3(CD40LG):c.470A>C (p.Asn157Thr)

Gene: CD40LG (CD40 ligand; plus strand). Cytogenetic location: Xq26.3.
Variant type: single nucleotide variant.
Coding change: c.470A>C on transcript NM_000074.3 (MANE Select); coding-DNA position 470, A replaced by C.
Protein change: p.Asn157Thr; replaces asparagine 157 with threonine.
Molecular consequence: missense variant.
Genome position (GRCh38, 1-based): chrX:136,659,099, A>C. VCF-style: chrX-136659099-A-C. GRCh37 (hg19) VCF-style: chrX-135741258-A-C.
Other names: short protein forms N157T.
Identifiers: ClinVar variation 2854462 (VCV002854462.3), dbSNP rs2522117824, ClinGen allele CA414755683.